The following is an entry in ClinVar:

NM_020533.3(MCOLN1):c.777+1G>T

Gene: MCOLN1 (mucolipin TRP cation channel 1; plus strand). Cytogenetic location: 19p13.2.
Variant type: single nucleotide variant.
Coding change: c.777+1G>T on transcript NM_020533.3 (MANE Select); the canonical splice donor site of the intron after coding-DNA position 777, G replaced by T.
Molecular consequence: splice donor variant.
Genome position (GRCh38, 1-based): chr19:7,527,961, G>T. VCF-style: chr19-7527961-G-T. GRCh37 (hg19) VCF-style: chr19-7592847-G-T.
Other names: c.777+1G>T (NM_020533.2).
Identifiers: ClinVar variation 3584205 (VCV003584205.2).

ClinVar aggregate classification (germline): Pathogenic/Likely pathogenic. Review status: criteria provided, multiple submitters, no conflicts (2 of 4 stars). 2 submissions from 2 submitters: Pathogenic (1); Likely pathogenic (1). Last evaluated 2025-04-24.

Conditions:
Mucolipidosis type IV (ML4). Also called: ML IV. Identifiers: Orphanet 578, MedGen C0238286, MONDO:0009653, OMIM 252650.
Lisch epithelial corneal dystrophy (LECD). Also called: BAND-SHAPED AND WHORLED MICROCYSTIC CORNEAL EPITHELIAL DYSTROPHY. Identifiers: Orphanet 98955, MedGen C2749050, MONDO:0010425, OMIM 620763.

Submissions (2):

Natera, Inc.
Classification: Pathogenic for Mucolipidosis type IV. Last evaluated: 2025-04-24. Review status: criteria provided, single submitter. Criteria: Natera Variant Classification Schema (03/2026). Collection method: clinical testing. Allele origin: germline.
Comment: The c.777+1G>T variant in MCOLN1 is a canonical splice donor site variant predicted to affect pre-mRNA splicing, which may result in an abnormal transcript and altered protein product. This variant is expected to result in nonsense mediated decay, truncation, or a dysfunctional protein product. This variant is rare in the general population with a frequency below the threshold expected for the associated phenotype(s). Another variant at this same site results in an alteration predicted to cause a similar molecular effect has been observed in individual(s) with the associated phenotype. Given the available evidence, this variant is classified as Pathogenic.

Fulgent Genetics
Classification: Likely pathogenic for Mucolipidosis type IV; Lisch epithelial corneal dystrophy. Last evaluated: 2024-05-11. Review status: criteria provided, single submitter. Criteria: ACMG Guidelines, 2015. Collection method: clinical testing. Allele origin: germline.